The following is an entry in ClinVar:

ClinVar aggregate classification (germline): Benign (1 of 4 stars; one submission).

Conditions:
Sessile serrated polyposis cancer syndrome (SSPCS). Identifiers: Orphanet 157798, MedGen C4310714, MONDO:0014919, OMIM 617108.

gnomAD v4.1: 1 of 1,613,986 alleles (0.000062%); highest among the groups gnomAD compares: Non-Finnish European, 0.000085%; no homozygotes.

Submission:

Myriad Genetics, Inc.
Classification: Benign for Sessile serrated polyposis cancer syndrome. Last evaluated: 2026-06-29. Review status: criteria provided, single submitter. Criteria: Myriad Autosomal Dominant, Autosomal Recessive and X-Linked Classification Criteria (2023). Collection method: clinical testing. Allele origin: unknown.
Comment: This variant is considered benign. This variant is a silent/synonymous amino acid change and it is not expected to impact splicing.

NM_017763.6(RNF43):c.102A>T (p.Ala34=)

Gene: RNF43 (ring finger protein 43; minus strand). Cytogenetic location: 17q22.
Variant type: single nucleotide variant.
Coding change: c.102A>T on transcript NM_017763.6 (MANE Select); coding-DNA position 102, A replaced by T.
Protein change: p.Ala34=; no amino-acid change (alanine 34 retained).
Molecular consequence: synonymous variant. On other transcripts: intron variant (1).
Genome position (GRCh38, 1-based): chr17:58,415,476, T>A on the plus strand (A>T on the coding strand, the complement: RNF43 is on the minus strand). VCF-style: chr17-58415476-T-A. GRCh37 (hg19) VCF-style: chr17-56492837-T-A.
Other names: c.102A>T, p.Ala34= (NM_001305544.3, NM_001438820.1, NM_001438821.1 and 1 more transcripts); c.-130+1541A>T (NM_001437987.1).
Identifiers: ClinVar variation 4875764 (VCV004875764.1).
Genomic context (GRCh38, chr17:58,415,476, plus strand): 5'-TTTCAAGGGGATCACTCTGATAATAGCTTTCTGTTCTGCTGATCTTTCAGACTCCACCGC[T>A]GCTGCCAGTACCAGTCCTGTGCGTCCAAAGCCTGCCTGCAGGGTAGCCATCAGCAGCCAG-3'
Protein context (NP_060233.3, residues 24-44): GFGRTGLVLA[Ala34=]AVESERSAEQ